The following is an entry in ClinVar:

NM_001365276.2(TNXB):c.5252G>A (p.Gly1751Asp)

Gene: TNXB (tenascin XB; minus strand). Cytogenetic location: 6p21.33.
Variant type: single nucleotide variant.
Coding change: c.5252G>A on transcript NM_001365276.2 (MANE Select); coding-DNA position 5252, G replaced by A.
Protein change: p.Gly1751Asp; replaces glycine 1751 with aspartic acid.
Molecular consequence: missense variant.
Genome position (GRCh38, 1-based): chr6:32,070,153, C>T on the plus strand (G>A on the coding strand, the complement: TNXB is on the minus strand). VCF-style: chr6-32070153-C-T. GRCh37 (hg19) VCF-style: chr6-32037930-C-T.
Other names: p.Gly1751Asp; c.5252G>A, p.Gly1751Asp (NM_019105.8); short protein forms G1751D.
Identifiers: ClinVar variation 1746376 (VCV001746376.8), dbSNP rs745720911, ClinGen allele CA3734757.

ClinVar aggregate classification (germline): Uncertain significance. Review status: criteria provided, multiple submitters, no conflicts (2 of 4 stars). 5 submissions from 5 submitters: Uncertain significance (5). Last evaluated 2026-03-10.

Conditions:
TNXB-related disorder. Also called: TNXB-related condition.
Vesicoureteral reflux 8 (VUR8). Identifiers: Orphanet 289365, MedGen C4014831, MONDO:0014422, OMIM 615963.
Ehlers-Danlos syndrome due to tenascin-X deficiency (EDSCLL1). Also called: TNX DEFICIENCY; TNXB-Related Classical-Like Ehlers-Danlos Syndrome; EDS DUE TO TNX DEFICIENCY; EHLERS-DANLOS SYNDROME, CLASSIC-LIKE; Ehlers-Danlos syndrome, classic-like, 1. Identifiers: Orphanet 230839, MedGen C1848029, MONDO:0011670, OMIM 606408.
Cardiovascular phenotype. Identifiers: MedGen CN230736.

Allele frequency attached by ClinVar (database versions not stated): gnomAD exomes 0.00003; ExAC 0.00004; gnomAD 0.00005; TOPMed 0.00005.
gnomAD v4.1: 45 of 1,593,470 alleles (0.0028%); highest among the groups gnomAD compares: Non-Finnish European, 0.0038%; no homozygotes.

Submissions (5):

Women's Health and Genetics/Laboratory Corporation of America, LabCorp
Classification: Uncertain significance. Last evaluated: 2026-03-10. Review status: criteria provided, single submitter. Criteria: LabCorp Variant Classification Summary - May 2015. Collection method: clinical testing. Allele origin: germline.
Comment: Variant summary: TNXB c.5252G>A (p.Gly1751Asp) results in a non-conservative amino acid change in the encoded protein sequence. Algorithms developed to predict the effect of missense changes on protein structure and function are either unavailable or do not agree on the potential impact of this missense change. The variant allele was found at a frequency of 1.7e-05 in 240692 control chromosomes. The available data on variant occurrences in the general population are insufficient to allow any conclusion about variant significance. To our knowledge, no occurrence of c.5252G>A in individuals affected with TNXB-related conditions and no experimental evidence demonstrating its impact on protein function have been reported. ClinVar contains an entry for this variant (Variation ID: 1746376). Based on the evidence outlined above, the variant was classified as uncertain significance.

PreventionGenetics, part of Exact Sciences
Classification: Uncertain significance for TNXB-related condition. Last evaluated: 2025-01-31. Review status: criteria provided, single submitter. Criteria: ACMG Guidelines, 2015. Collection method: clinical testing. Allele origin: germline.
Comment: The TNXB c.5252G>A variant is predicted to result in the amino acid substitution p.Gly1751Asp. To our knowledge, this variant has not been reported in the literature. This variant is reported in 0.0065% of alleles in individuals of European (Non-Finnish) descent in gnomAD. At this time, the clinical significance of this variant is uncertain due to the absence of conclusive functional and genetic evidence.

Ambry Genetics
Classification: Uncertain significance for Cardiovascular phenotype. Last evaluated: 2024-10-19. Review status: criteria provided, single submitter. Criteria: Ambry Variant Classification Scheme 2023. Collection method: clinical testing. Allele origin: germline.
Comment: The p.G1751D variant (also known as c.5252G>A), located in coding exon 13 of the TNXB gene, results from a G to A substitution at nucleotide position 5252. The glycine at codon 1751 is replaced by aspartic acid, an amino acid with similar properties. This amino acid position is conserved. In addition, this alteration is predicted to be tolerated by in silico analysis. Since supporting evidence is limited at this time, the clinical significance of this alteration remains unclear.

Mayo Clinic Laboratories, Mayo Clinic
Classification: Uncertain significance. Last evaluated: 2024-09-09. Review status: criteria provided, single submitter. Criteria: ACMG Guidelines, 2015. Collection method: clinical testing. Allele origin: germline. Observed: 1 variant allele.
Comment: BP4

Fulgent Genetics
Classification: Uncertain significance for Ehlers-Danlos syndrome due to tenascin-X deficiency; Vesicoureteral reflux 8. Last evaluated: 2024-02-06. Review status: criteria provided, single submitter. Criteria: ACMG Guidelines, 2015. Collection method: clinical testing. Allele origin: germline.